The following is an entry in ClinVar:

ClinVar aggregate classification (germline): Benign/Likely benign. Review status: criteria provided, multiple submitters, no conflicts (2 of 4 stars). 8 submissions from 8 submitters: Benign (3); Likely benign (4). 1 of the submissions does not count toward it. Last evaluated 2026-01-28.

Conditions:
MPI-congenital disorder of glycosylation. Also called: CONGENITAL DISORDER OF GLYCOSYLATION, TYPE Ib; PROTEIN-LOSING ENTEROPATHY-HEPATIC FIBROSIS SYNDROME; CDG Ib; MPI-CDG; MPI DEFICIENCY; MANNOSEPHOSPHATE ISOMERASE DEFICIENCY. Identifiers: Orphanet 79319, MedGen C1865145, MONDO:0011257, OMIM 602579.

Allele frequency attached by ClinVar (database versions not stated): gnomAD 0.00095 and 0.00133; gnomAD exomes 0.00178; ESP Exome Variant Server 0.00054; TOPMed 0.00122; ExAC 0.00190; 1000 Genomes Project 30x 0.00328; 1000 Genomes Project 0.00359.
gnomAD v4.1: 1,629 of 1,613,980 alleles (0.1%); highest among the groups gnomAD compares: East Asian, 2.2%; 13 homozygotes.

Submissions (8):

Labcorp Genetics (formerly Invitae), Labcorp
Classification: Benign for MPI-congenital disorder of glycosylation. Last evaluated: 2026-01-28. Review status: criteria provided, single submitter. Criteria: Invitae Variant Classification Sherloc (09022015). Collection method: clinical testing. Allele origin: germline.

CeGaT Center for Human Genetics Tuebingen
Classification: Benign. Last evaluated: 2023-07-01. Review status: criteria provided, single submitter. Criteria: CeGaT Center For Human Genetics Tuebingen Variant Classification Criteria Version 2. Collection method: clinical testing. Allele origin: germline. Affected: yes. Observed: 1 variant allele.
Comment: MPI: BS1, BS2

Women's Health and Genetics/Laboratory Corporation of America, LabCorp
Classification: Likely benign. Last evaluated: 2022-02-18. Review status: criteria provided, single submitter. Criteria: LabCorp Variant Classification Summary - May 2015. Collection method: clinical testing. Allele origin: germline.

Fulgent Genetics
Classification: Likely benign for MPI-congenital disorder of glycosylation. Last evaluated: 2021-11-09. Review status: criteria provided, single submitter. Criteria: ACMG Guidelines, 2015. Collection method: clinical testing. Allele origin: unknown.

GeneDx
Classification: Likely benign. Last evaluated: 2018-02-06. Review status: criteria provided, single submitter. Criteria: GeneDx Variant Classification (06012015). Collection method: clinical testing. Allele origin: germline. Affected: yes.
Comment: This variant is considered likely benign or benign based on one or more of the following criteria: it is a conservative change, it occurs at a poorly conserved position in the protein, it is predicted to be benign by multiple in silico algorithms, and/or has population frequency not consistent with disease.

Illumina Laboratory Services, Illumina
Classification: Likely benign for MPI-congenital disorder of glycosylation. Last evaluated: 2018-01-12. Review status: criteria provided, single submitter. Criteria: ICSL Variant Classification Criteria 13 December 2019. Collection method: clinical testing. Allele origin: germline.
Comment: This variant was observed in the ICSL laboratory as part of a predisposition screen in an ostensibly healthy population. It had not been previously curated by ICSL or reported in the Human Gene Mutation Database (HGMD: prior to June 1st, 2018), and was therefore a candidate for classification through an automated scoring system. Utilizing variant allele frequency, disease prevalence and penetrance estimates, and inheritance mode, an automated score was calculated to assess if this variant is too frequent to cause the disease. Based on the score and internal cut-off values, a variant classified as likely benign is not then subjected to further curation. The score for this variant resulted in a classification of likely benign for this disease.

Eurofins Ntd Llc (ga)
Classification: Benign. Last evaluated: 2013-02-22. Review status: criteria provided, single submitter. Criteria: EGL Classification Definitions 2015. Collection method: clinical testing. Allele origin: germline. Observed: 1 variant allele, 1 heterozygote.

Natera, Inc.
Classification: Benign for Congenital disorder of glycosylation type 1b. Last evaluated: 2019-10-21. Review status: no assertion criteria provided. Collection method: clinical testing. Allele origin: germline. Not counted in ClinVar's aggregate classification.

NM_002435.3(MPI):c.1049C>T (p.Thr350Met)

Gene: MPI (mannose phosphate isomerase; plus strand). Cytogenetic location: 15q24.1.
Variant type: single nucleotide variant.
Coding change: c.1049C>T on transcript NM_002435.3 (MANE Select); coding-DNA position 1049, C replaced by T.
Protein change: p.Thr350Met; replaces threonine 350 with methionine.
Molecular consequence: missense variant. On other transcripts: intron variant (1).
Genome position (GRCh38, 1-based): chr15:74,897,215, C>T. VCF-style: chr15-74897215-C-T. GRCh37 (hg19) VCF-style: chr15-75189556-C-T.
Other names: c.899C>T, p.Thr300Met (NM_001289156.2); c.866C>T, p.Thr289Met (NM_001289157.2); c.989C>T, p.Thr330Met (NM_001330372.2); c.845-297C>T (NM_001289155.2); short protein forms T350M, T300M, T330M, T289M.
Identifiers: ClinVar variation 94065 (VCV000094065.52), dbSNP rs116933453, ClinGen allele CA147575.